The following is an entry in ClinVar:

NM_001040108.2(MLH3):c.3450T>C (p.Phe1150=)

Gene: MLH3 (mutL homolog 3; minus strand). Cytogenetic location: 14q24.3.
Variant type: single nucleotide variant.
Coding change: c.3450T>C on transcript NM_001040108.2 (MANE Select); coding-DNA position 3450, T replaced by C.
Protein change: p.Phe1150=; no amino-acid change (phenylalanine 1150 retained).
Molecular consequence: synonymous variant.
Genome position (GRCh38, 1-based): chr14:75,041,630, A>G on the plus strand (T>C on the coding strand, the complement: MLH3 is on the minus strand). VCF-style: chr14-75041630-A-G. GRCh37 (hg19) VCF-style: chr14-75508333-A-G.
Other names: c.3450T>C, p.Phe1150= (NM_014381.3).
Identifiers: ClinVar variation 1731565 (VCV001731565.6), dbSNP rs1205872188, ClinGen allele CA487176701.

ClinVar aggregate classification (germline): Benign/Likely benign. Review status: criteria provided, multiple submitters, no conflicts (2 of 4 stars). 3 submissions from 3 submitters: Benign (1); Likely benign (2). Last evaluated 2026-05-06.

Conditions:
Colorectal cancer, hereditary nonpolyposis, type 7. Identifiers: Orphanet 144, MedGen C1858380, MONDO:0013725, OMIM 614385.

Allele frequency attached by ClinVar (database versions not stated): gnomAD 0.00001; gnomAD exomes below 0.00001; TOPMed 0.00002.
gnomAD v4.1: 3 of 1,613,622 alleles (0.00019%); highest among the groups gnomAD compares: African/African-American, 0.004%; no homozygotes.

Submissions (3):

Myriad Genetics, Inc.
Classification: Benign for Colorectal cancer, hereditary nonpolyposis, type 7. Last evaluated: 2026-05-06. Review status: criteria provided, single submitter. Criteria: Myriad Autosomal Dominant, Autosomal Recessive and X-Linked Classification Criteria (2023). Collection method: clinical testing. Allele origin: unknown.
Comment: This variant is considered benign. This variant is a silent/synonymous amino acid change and it is not expected to impact splicing.

Labcorp Genetics (formerly Invitae), Labcorp
Classification: Likely benign for Colorectal cancer, hereditary nonpolyposis, type 7. Last evaluated: 2024-06-10. Review status: criteria provided, single submitter. Criteria: Invitae Variant Classification Sherloc (09022015). Collection method: clinical testing. Allele origin: germline.

Ambry Genetics
Classification: Likely benign. Last evaluated: 2020-03-17. Review status: criteria provided, single submitter. Criteria: Ambry Variant Classification Scheme 2023. Collection method: clinical testing. Allele origin: germline.